The following is an entry in ClinVar:

NM_001852.4(COL9A2):c.303+18G>C

Gene: COL9A2 (collagen type IX alpha 2 chain; minus strand). Cytogenetic location: 1p34.2.
Variant type: single nucleotide variant.
Coding change: c.303+18G>C on transcript NM_001852.4 (MANE Select); 18 bases into the intron after coding-DNA position 303, G replaced by C.
Molecular consequence: intron variant.
Genome position (GRCh38, 1-based): chr1:40,312,713, C>G on the plus strand (G>C on the coding strand, the complement: COL9A2 is on the minus strand). VCF-style: chr1-40312713-C-G. GRCh37 (hg19) VCF-style: chr1-40778385-C-G.
Identifiers: ClinVar variation 509029 (VCV000509029.8), dbSNP rs760684403, ClinGen allele CA792040.

ClinVar aggregate classification (germline): Likely benign. Review status: criteria provided, multiple submitters, no conflicts (2 of 4 stars). 2 submissions from 2 submitters: Likely benign (2). Last evaluated 2025-12-03.

Allele frequency attached by ClinVar (database versions not stated): gnomAD exomes 0.00003 and 0.00004; ExAC 0.00004; gnomAD 0.00002; TOPMed 0.00002.

Submissions (2):

Labcorp Genetics (formerly Invitae), Labcorp
Classification: Likely benign. Last evaluated: 2025-12-03. Review status: criteria provided, single submitter. Criteria: Invitae Variant Classification Sherloc (09022015). Collection method: clinical testing. Allele origin: germline.

GeneDx
Classification: Likely benign. Last evaluated: 2017-04-21. Review status: criteria provided, single submitter. Criteria: GeneDx Variant Classification (06012015). Collection method: clinical testing. Allele origin: germline. Affected: yes.
Comment: This variant is considered likely benign or benign based on one or more of the following criteria: it is a conservative change, it occurs at a poorly conserved position in the protein, it is predicted to be benign by multiple in silico algorithms, and/or has population frequency not consistent with disease.